The following is an entry in ClinVar:

ClinVar aggregate classification (germline): Pathogenic/Likely pathogenic. Review status: criteria provided, multiple submitters, no conflicts (2 of 4 stars). 3 submissions from 3 submitters: Pathogenic (1); Likely pathogenic (2). Last evaluated 2025-02-26.

Conditions:
Marfan syndrome (MFS). Also called: MARFAN SYNDROME, TYPE I; FBN1-Related Marfan Syndrome; Marfan syndrome, classic; Marfan syndrome type 1; Marfan's syndrome. Identifiers: Orphanet 284963, Orphanet 558, MedGen C0024796, MONDO:0007947, OMIM 154700.
Familial thoracic aortic aneurysm and aortic dissection (TAAD). Also called: Thoracic aortic aneurysms and dissections. Identifiers: Orphanet 91387, MedGen C4707243, MONDO:0019625.

Submissions (3):

Labcorp Genetics (formerly Invitae), Labcorp
Classification: Pathogenic for Marfan syndrome; Familial thoracic aortic aneurysm and aortic dissection. Last evaluated: 2025-02-26. Review status: criteria provided, single submitter. Criteria: Invitae Variant Classification Sherloc (09022015). Collection method: clinical testing. Allele origin: germline.
Comment: This sequence change affects an acceptor splice site in intron 48 of the FBN1 gene. It is expected to disrupt RNA splicing. Variants that disrupt the donor or acceptor splice site typically lead to a loss of protein function (PMID: 16199547), and loss-of-function variants in FBN1 are known to be pathogenic (PMID: 17657824, 19293843). This variant is not present in population databases (gnomAD no frequency). Disruption of this splice site has been observed in individuals with clinical features of FBN1-related conditions (PMID: 16220557, 20564469; internal data). ClinVar contains an entry for this variant (Variation ID: 222617). Algorithms developed to predict the effect of sequence changes on RNA splicing suggest that this variant may disrupt the consensus splice site. For these reasons, this variant has been classified as Pathogenic.

Clinical Genetics Laboratory, Skane University Hospital Lund
Classification: Likely pathogenic. Last evaluated: 2022-07-07. Review status: criteria provided, single submitter. Criteria: ACMG Guidelines, 2015. Collection method: clinical testing. Allele origin: germline. Affected: yes.

Ambry Genetics
Classification: Likely pathogenic for Familial thoracic aortic aneurysm and aortic dissection. Last evaluated: 2019-08-09. Review status: criteria provided, single submitter. Criteria: Ambry Variant Classification Scheme 2023. Collection method: clinical testing. Allele origin: germline.
Comment: The c.5918-2A>G intronic variant results from an A to G substitution two nucleotides upstream from coding exon 48 in the FBN1 gene. This nucleotide position is highly conserved in available vertebrate species. Using the BDGP and ESEfinder splice site prediction tools, this alteration is predicted to abolish the native splice acceptor site; however, direct evidence is unavailable. Alterations that disrupt the canonical splice site are expected to cause aberrant splicing, resulting in an abnormal protein or a transcript that is subject to nonsense-mediated mRNA decay. As such, this alteration is classified as likely pathogenic.

Literature cited by the submitters: PubMed 16199547 (cited by Labcorp Genetics (formerly Invitae), Labcorp); PubMed 17657824 (cited by Labcorp Genetics (formerly Invitae), Labcorp); PubMed 19293843 (cited by Labcorp Genetics (formerly Invitae), Labcorp); PubMed 16220557 (cited by Labcorp Genetics (formerly Invitae), Labcorp); PubMed 20564469 (cited by Labcorp Genetics (formerly Invitae), Labcorp).

NM_000138.5(FBN1):c.5918-2A>G

Gene: FBN1 (fibrillin 1; minus strand). Cytogenetic location: 15q21.1.
Variant type: single nucleotide variant.
Coding change: c.5918-2A>G on transcript NM_000138.5 (MANE Select); the canonical splice acceptor site of the intron before coding-DNA position 5918, A replaced by G.
Molecular consequence: splice acceptor variant.
Genome position (GRCh38, 1-based): chr15:48,444,662, T>C on the plus strand (A>G on the coding strand, the complement: FBN1 is on the minus strand). VCF-style: chr15-48444662-T-C. GRCh37 (hg19) VCF-style: chr15-48736859-T-C.
Other names: c.5918-2A>G (NM_001406716.1).
Identifiers: ClinVar variation 222617 (VCV000222617.10), dbSNP rs869025418, ClinGen allele CA353677.
Genomic context (GRCh38, chr15:48,444,662, plus strand): 5'-CAAGTTTTGACAGGTACCTGGTGCACATTTTCTGGGTTCTAGAAGACATTCATTGATATC[T>C]GCAAAGAAAAGGGAAAAATAAGGAAGAGGTTCCCACTGGCATGACTTCCATCAAACAATT-3'